The following is an entry in ClinVar:

ClinVar aggregate classification (germline): Uncertain significance (1 of 4 stars; one submission).

Submission:

Ambry Genetics
Classification: Uncertain significance. Last evaluated: 2024-12-15. Review status: criteria provided, single submitter. Criteria: Ambry Variant Classification Scheme 2023. Collection method: clinical testing. Allele origin: germline.
Comment: The p.L396S variant (also known as c.1187T>C), located in coding exon 12 of the SRP72 gene, results from a T to C substitution at nucleotide position 1187. The leucine at codon 396 is replaced by serine, an amino acid with dissimilar properties. This amino acid position is conserved. In addition, this alteration is predicted to be deleterious by in silico analysis. Based on the available evidence, the clinical significance of this variant remains unclear.

NM_006947.4(SRP72):c.1187T>C (p.Leu396Ser)

Gene: SRP72 (signal recognition particle 72; plus strand). Cytogenetic location: 4q12.
Variant type: single nucleotide variant.
Coding change: c.1187T>C on transcript NM_006947.4 (MANE Select); coding-DNA position 1187, T replaced by C.
Protein change: p.Leu396Ser; replaces leucine 396 with serine.
Molecular consequence: missense variant. On other transcripts: non-coding transcript variant (1).
Genome position (GRCh38, 1-based): chr4:56,487,976, T>C. VCF-style: chr4-56487976-T-C. GRCh37 (hg19) VCF-style: chr4-57354142-T-C.
Other names: c.1004T>C, p.Leu335Ser (NM_001267722.2); short protein forms L335S, L396S.
Identifiers: ClinVar variation 3801406 (VCV003801406.1).